The following is an entry in ClinVar:

NM_032043.3(BRIP1):c.3601A>T (p.Ile1201Phe)

Gene: BRIP1 (BRCA1 interacting DNA helicase 1; minus strand). Cytogenetic location: 17q23.2.
Variant type: single nucleotide variant.
Coding change: c.3601A>T on transcript NM_032043.3 (MANE Select); coding-DNA position 3601, A replaced by T.
Protein change: p.Ile1201Phe; replaces isoleucine 1201 with phenylalanine.
Molecular consequence: missense variant.
Genome position (GRCh38, 1-based): chr17:61,683,445, T>A on the plus strand (A>T on the coding strand, the complement: BRIP1 is on the minus strand). VCF-style: chr17-61683445-T-A. GRCh37 (hg19) VCF-style: chr17-59760806-T-A.
Other names: short protein forms I1201F.
Identifiers: ClinVar variation 4631007 (VCV004631007.1).

ClinVar aggregate classification (germline): Uncertain significance (1 of 4 stars; one submission).

Conditions:
Hereditary cancer-predisposing syndrome. Also called: Neoplastic Syndromes, Hereditary; Tumor predisposition; Hereditary Cancer Syndrome; Hereditary neoplastic syndrome. Identifiers: Orphanet 140162, MedGen C0027672, MeSH D009386, MONDO:0015356.

Submission:

Ambry Genetics
Classification: Uncertain significance for Hereditary cancer-predisposing syndrome. Last evaluated: 2025-10-28. Review status: criteria provided, single submitter. Criteria: Ambry Variant Classification Scheme 2023. Collection method: clinical testing. Allele origin: germline.
Comment: The p.I1201F variant (also known as c.3601A>T), located in coding exon 19 of the BRIP1 gene, results from an A to T substitution at nucleotide position 3601. The isoleucine at codon 1201 is replaced by phenylalanine, an amino acid with highly similar properties. This amino acid position is conserved. In addition, this alteration is predicted to be tolerated by in silico analysis. Based on the available evidence, the clinical significance of this variant remains unclear.